The following is an entry in ClinVar:

NM_003126.4(SPTA1):c.3714+1G>A

Gene: SPTA1 (spectrin alpha, erythrocytic 1; minus strand). Cytogenetic location: 1q23.1.
Variant type: single nucleotide variant.
Coding change: c.3714+1G>A on transcript NM_003126.4 (MANE Select); the canonical splice donor site of the intron after coding-DNA position 3714, G replaced by A.
Molecular consequence: splice donor variant.
Genome position (GRCh38, 1-based): chr1:158,648,508, C>T on the plus strand (G>A on the coding strand, the complement: SPTA1 is on the minus strand). VCF-style: chr1-158648508-C-T. GRCh37 (hg19) VCF-style: chr1-158618298-C-T.
Other names: c.3714+1G>A (NM_003126.2).
Identifiers: ClinVar variation 4077578 (VCV004077578.2).

ClinVar aggregate classification (germline): Likely pathogenic. Review status: criteria provided, multiple submitters, no conflicts (2 of 4 stars). 2 submissions from 2 submitters: Likely pathogenic (2). Last evaluated 2026-07-15.

Conditions:
SPTA1-related disorder. Also called: SPTA1-related disorders; SPTA1-related condition.

gnomAD v4.1: 1 of 1,613,844 alleles (0.000062%); highest among the groups gnomAD compares: Non-Finnish European, 0.000085%; no homozygotes.

Submissions (2):

PreventionGenetics, part of Exact Sciences
Classification: Likely pathogenic for SPTA1-related condition. Last evaluated: 2026-07-15. Review status: criteria provided, single submitter. Criteria: ACMG Guidelines, 2015. Collection method: clinical testing. Allele origin: germline.
Comment: The SPTA1 c.3714+1G>A variant is predicted to disrupt the GT donor site and interfere with normal splicing. To our knowledge, this variant has not been reported in the literature or in a large population database, indicating this variant is rare. Variants that disrupt the consensus splice donor site in SPTA1 are expected to be pathogenic. This variant is interpreted as likely pathogenic.

Revvity Omics, Revvity
Classification: Likely pathogenic. Last evaluated: 2023-12-21. Review status: criteria provided, single submitter. Criteria: ACMG Guidelines, 2015. Collection method: clinical testing. Allele origin: germline.